The following is an entry in ClinVar:

ClinVar aggregate classification (germline): Uncertain significance (1 of 4 stars; one submission).

Conditions:
BAP1-related tumor predisposition syndrome (TPDS1). Also called: BAP1 tumor predisposition syndrome; Tumor susceptibility linked to germline BAP1 mutations; COMMON Syndrome; TUMOR PREDISPOSITION SYNDROME 1. Identifiers: Orphanet 289539, MedGen C3280492, MONDO:0013692, OMIM 614327.

Submission:

Labcorp Genetics (formerly Invitae), Labcorp
Classification: Uncertain significance for BAP1-related tumor predisposition syndrome. Last evaluated: 2024-02-03. Review status: criteria provided, single submitter. Criteria: Invitae Variant Classification Sherloc (09022015). Collection method: clinical testing. Allele origin: germline.
Comment: This sequence change replaces glycine, which is neutral and non-polar, with valine, which is neutral and non-polar, at codon 13 of the BAP1 protein (p.Gly13Val). This variant is not present in population databases (gnomAD no frequency). This missense change has been observed in individual(s) with renal cell carcinoma (PMID: 22683710). An algorithm developed to predict the effect of missense changes on protein structure and function (PolyPhen-2) suggests that this variant is likely to be disruptive. In summary, the available evidence is currently insufficient to determine the role of this variant in disease. Therefore, it has been classified as a Variant of Uncertain Significance.

Literature cited by the submitters: PubMed 22683710.

NM_004656.4(BAP1):c.38G>T (p.Gly13Val)

Gene: BAP1 (BRCA1 associated deubiquitinase 1; minus strand). Cytogenetic location: 3p21.1.
Variant type: single nucleotide variant.
Coding change: c.38G>T on transcript NM_004656.4 (MANE Select); coding-DNA position 38, G replaced by T.
Protein change: p.Gly13Val; replaces glycine 13 with valine.
Molecular consequence: missense variant.
Genome position (GRCh38, 1-based): chr3:52,409,743, C>A on the plus strand (G>T on the coding strand, the complement: BAP1 is on the minus strand). VCF-style: chr3-52409743-C-A. GRCh37 (hg19) VCF-style: chr3-52443759-C-A.
Other names: c.38G>T, p.Gly13Val (NM_001410772.1); short protein forms G13V.
Identifiers: ClinVar variation 3638587 (VCV003638587.2).
Genomic context (GRCh38, chr3:52,409,743, plus strand): 5'-CCCCGGTCCGGCAGGGAGAAAAGGCTCTTACCGAAATCTTCCACGAGCAGGGTGAAGAGG[C>A]CTGGGTGGGGCGACAAGAGGAGGGGGTGATGGTCAGGCAGGCGCGTCCCGGGCCCATCCG-3'
Protein context (NP_004647.1, residues 3-23): KGWLELESDP[Gly13Val]LFTLLVEDFG